The following is an entry in ClinVar:

ClinVar aggregate classification (germline): Pathogenic (1 of 4 stars; one submission).

Conditions:
Hereditary cancer-predisposing syndrome. Also called: Neoplastic Syndromes, Hereditary; Tumor predisposition; Hereditary neoplastic syndrome; Hereditary Cancer Syndrome. Identifiers: Orphanet 140162, MedGen C0027672, MeSH D009386, MONDO:0015356.

Submission:

Ambry Genetics
Classification: Pathogenic for Hereditary cancer-predisposing syndrome. Last evaluated: 2026-06-16. Review status: criteria provided, single submitter. Criteria: Ambry Variant Classification Scheme 2023. Collection method: clinical testing. Allele origin: germline.
Comment: The c.260_263delCACT pathogenic mutation, located in coding exon 2 of the FLCN gene, results from a deletion of 4 nucleotides at nucleotide positions 260 to 263, causing a translational frameshift with a predicted alternate stop codon (p.S87Lfs*42). This variant was reported in individual(s) with features consistent with Birt-Hogg-Dube syndrome (Ambry internal data). This variant is considered to be rare based on population cohorts in the Genome Aggregation Database (gnomAD). This alteration is expected to result in loss of function by premature protein truncation or nonsense-mediated mRNA decay. As such, this alteration is interpreted as a disease-causing mutation.

NM_144997.7(FLCN):c.260_263del (p.Ser87fs)

Gene: FLCN (folliculin; minus strand). Cytogenetic location: 17p11.2.
Variant type: Deletion.
Coding change: c.260_263del on transcript NM_144997.7 (MANE Select); coding-DNA positions 260 to 263, 4 bases deleted (CACT; older notation c.260_263delCACT).
Protein change: p.Ser87fs; shifts the reading frame from serine 87.
Molecular consequence: frameshift variant.
Genome position (GRCh38, 1-based): chr17:17,226,309-17,226,312, AGTG deleted on the plus strand (CACT on the coding strand, the reverse complement: FLCN is on the minus strand); deleting any 4 consecutive bases within chr17:17,226,309-17,226,313 gives the same sequence; the c. name uses the placement nearest the transcript's 3' end. VCF-style (leftmost placement, unchanged base first): chr17-17226308-AAGTG-A. GRCh37 (hg19) VCF-style: chr17-17129622-AAGTG-A.
Other names: c.260_263del, p.Ser87fs (NM_001353229.2, NM_001353230.2, NM_001353231.2 and 1 more transcripts); c.260_263delCACT (NM_144997.5); short protein forms S87fs.
Identifiers: ClinVar variation 5021815 (VCV005021815.1).